The following is an entry in ClinVar:

ClinVar aggregate classification (germline): Uncertain significance (1 of 4 stars; one submission).

Conditions:
Progressive myoclonic epilepsy type 3. Also called: KCTD7-Related Progressive Myoclonic Epilepsy; EPILEPSY, PROGRESSIVE MYOCLONIC, 3, WITH OR WITHOUT INTRACELLULAR INCLUSIONS; CEROID LIPOFUSCINOSIS, NEURONAL, 14; EPILEPSY, PROGRESSIVE MYOCLONIC, 3, WITHOUT INTRACELLULAR INCLUSIONS. Identifiers: Orphanet 263516, MedGen C2673257, MONDO:0012721, OMIM 611726.

Allele frequency attached by ClinVar (database versions not stated): gnomAD exomes 0.00001; TOPMed 0.00001.

Submission:

Labcorp Genetics (formerly Invitae), Labcorp
Classification: Uncertain significance for Progressive myoclonic epilepsy type 3. Last evaluated: 2018-07-15. Review status: criteria provided, single submitter. Criteria: Invitae Variant Classification Sherloc (09022015). Collection method: clinical testing. Allele origin: germline.
Comment: In summary, the available evidence is currently insufficient to determine the role of this variant in disease. Therefore, it has been classified as a Variant of Uncertain Significance. Algorithms developed to predict the effect of missense changes on protein structure and function (SIFT, PolyPhen-2, Align-GVGD) all suggest that this variant is likely to be tolerated, but these predictions have not been confirmed by published functional studies and their clinical significance is uncertain. This variant has not been reported in the literature in individuals with KCTD7-related disease. This variant is not present in population databases (ExAC no frequency). This sequence change replaces glutamic acid with lysine at codon 8 of the KCTD7 protein (p.Glu8Lys). The glutamic acid residue is moderately conserved and there is a small physicochemical difference between glutamic acid and lysine.

NM_153033.5(KCTD7):c.22G>A (p.Glu8Lys)

Genes: KCTD7 (potassium channel tetramerization domain containing 7; plus strand), LOC129998533 (ATAC-STARR-seq lymphoblastoid silent region 18210; plus strand). Cytogenetic location: 7q11.21.
Variant type: single nucleotide variant.
Coding change: c.22G>A on transcript NM_153033.5 (MANE Select); coding-DNA position 22, G replaced by A.
Protein change: p.Glu8Lys; replaces glutamic acid 8 with lysine.
Molecular consequence: missense variant.
Genome position (GRCh38, 1-based): chr7:66,629,086, G>A. VCF-style: chr7-66629086-G-A. GRCh37 (hg19) VCF-style: chr7-66094073-G-A.
Other names: c.22G>A, p.Glu8Lys (NM_001167961.2); short protein forms E8K.
Identifiers: ClinVar variation 664309 (VCV000664309.8), dbSNP rs1308286439, ClinGen allele CA367695168.